The following is an entry in ClinVar:

ClinVar aggregate classification (germline): Uncertain significance (1 of 4 stars; one submission).

Conditions:
Mendelian susceptibility to mycobacterial diseases due to complete IL12RB1 deficiency. Also called: IL12RB1 DEFICIENCY; Immunodeficiency 30. Identifiers: Orphanet 319552, MedGen C4013949, MONDO:0013955, OMIM 614891.

Allele frequency attached by ClinVar (database versions not stated): gnomAD 0.00002 and 0.00003; gnomAD exomes 0.00002 and 0.00004; TOPMed 0.00003; ExAC 0.00007.
gnomAD v4.1: 32 of 1,590,300 alleles (0.002%); highest among the groups gnomAD compares: East Asian, 0.065%; no homozygotes.

Submission:

Labcorp Genetics (formerly Invitae), Labcorp
Classification: Uncertain significance for Mendelian susceptibility to mycobacterial diseases due to complete IL12RB1 deficiency. Last evaluated: 2026-01-12. Review status: criteria provided, single submitter. Criteria: Invitae Variant Classification Sherloc (09022015). Collection method: clinical testing. Allele origin: germline.
Comment: This sequence change replaces tyrosine, which is neutral and polar, with cysteine, which is neutral and slightly polar, at codon 139 of the IL12RB1 protein (p.Tyr139Cys). This variant is present in population databases (rs752537440, gnomAD 0.05%). This variant has not been reported in the literature in individuals affected with IL12RB1-related conditions. ClinVar contains an entry for this variant (Variation ID: 1010672). Invitae Evidence Modeling of protein sequence and biophysical properties (such as structural, functional, and spatial information, amino acid conservation, physicochemical variation, residue mobility, and thermodynamic stability) indicates that this missense variant is expected to disrupt IL12RB1 protein function with a positive predictive value of 80%. In summary, the available evidence is currently insufficient to determine the role of this variant in disease. Therefore, it has been classified as a Variant of Uncertain Significance.

NM_005535.3(IL12RB1):c.416A>G (p.Tyr139Cys)

Gene: IL12RB1 (interleukin 12 receptor subunit beta 1; minus strand). Cytogenetic location: 19p13.11.
Variant type: single nucleotide variant.
Coding change: c.416A>G on transcript NM_005535.3 (MANE Select); coding-DNA position 416, A replaced by G.
Protein change: p.Tyr139Cys; replaces tyrosine 139 with cysteine.
Molecular consequence: missense variant.
Genome position (GRCh38, 1-based): chr19:18,077,649, T>C on the plus strand (A>G on the coding strand, the complement: IL12RB1 is on the minus strand). VCF-style: chr19-18077649-T-C. GRCh37 (hg19) VCF-style: chr19-18188459-T-C.
Other names: c.416A>G, p.Tyr139Cys (NM_001290023.2, NM_153701.3); c.536A>G, p.Tyr179Cys (NM_001290024.2); short protein forms Y139C, Y179C.
Identifiers: ClinVar variation 1010672 (VCV001010672.6), dbSNP rs752537440, ClinGen allele CA9305212.